The following is an entry in ClinVar:

NM_139162.4(MIEF2):c.365C>T (p.Pro122Leu)

Gene: MIEF2 (mitochondrial elongation factor 2; plus strand). Cytogenetic location: 17p11.2.
Variant type: single nucleotide variant.
Coding change: c.365C>T on transcript NM_139162.4 (MANE Select); coding-DNA position 365, C replaced by T.
Protein change: p.Pro122Leu; replaces proline 122 with leucine.
Molecular consequence: missense variant. On other transcripts: intron variant (1).
Genome position (GRCh38, 1-based): chr17:18,263,764, C>T. VCF-style: chr17-18263764-C-T. GRCh37 (hg19) VCF-style: chr17-18167078-C-T.
Other names: c.398C>T, p.Pro133Leu (NM_148886.2); c.311-20C>T (NM_001144900.3); c.398C>T (NM_148886.1); short protein forms P122L, P133L.
Identifiers: ClinVar variation 2647551 (VCV002647551.24), dbSNP rs142766095, ClinGen allele CA8429194.
Genomic context (GRCh38, chr17:18,263,764, plus strand): 5'-CTGCAGAAGGGCCTGCAGAAACTGATCCTGAGGTGACACCACAGCTCAGCTCCCCAGCAC[C>T]GCTGTGTCTGACACTGCAGGAGAGGCTGCTGGCCTTCGAGCGGGACCGTGTGACCATCCC-3'
Protein context (NP_631901.2, residues 112-132): EVTPQLSSPA[Pro122Leu]LCLTLQERLL

ClinVar aggregate classification (germline): Uncertain significance. Review status: criteria provided, multiple submitters, no conflicts (2 of 4 stars). 2 submissions from 2 submitters: Uncertain significance (2). Last evaluated 2025-10-14.

Allele frequency attached by ClinVar (database versions not stated): gnomAD exomes 0.00003; ExAC 0.00008; gnomAD 0.00011; TOPMed 0.00022; ESP Exome Variant Server 0.00023.
gnomAD v4.1: 55 of 1,607,470 alleles (0.0034%); highest among the groups gnomAD compares: African/African-American, 0.043%; no homozygotes.

Submissions (2):

Ambry Genetics
Classification: Uncertain significance. Last evaluated: 2025-10-14. Review status: criteria provided, single submitter. Criteria: Ambry Variant Classification Scheme 2023. Collection method: clinical testing. Allele origin: germline.

CeGaT Center for Human Genetics Tuebingen
Classification: Uncertain significance. Last evaluated: 2023-08-01. Review status: criteria provided, single submitter. Criteria: CeGaT Center For Human Genetics Tuebingen Variant Classification Criteria Version 2. Collection method: clinical testing. Allele origin: germline. Affected: yes. Observed: 1 variant allele.
Comment: MIEF2: PM2, BP4